The following is an entry in ClinVar:

NM_023036.6(DNAI2):c.1259C>T (p.Pro420Leu)

Gene: DNAI2 (dynein axonemal intermediate chain 2; plus strand). Cytogenetic location: 17q25.1.
Variant type: single nucleotide variant.
Coding change: c.1259C>T on transcript NM_023036.6 (MANE Select); coding-DNA position 1259, C replaced by T.
Protein change: p.Pro420Leu; replaces proline 420 with leucine.
Molecular consequence: missense variant. On other transcripts: non-coding transcript variant (1).
Genome position (GRCh38, 1-based): chr17:74,309,300, C>T. VCF-style: chr17-74309300-C-T. GRCh37 (hg19) VCF-style: chr17-72305439-C-T.
Other names: c.1259C>T, p.Pro420Leu (NM_001172810.3, NM_001353167.2); short protein forms P420L.
Identifiers: ClinVar variation 2188783 (VCV002188783.2), dbSNP rs1241205365, ClinGen allele CA400911849.

ClinVar aggregate classification (germline): Uncertain significance (1 of 4 stars; one submission).

Conditions:
Primary ciliary dyskinesia. Also called: Ciliary dyskinesia. Identifiers: Orphanet 244, MedGen C0008780, MONDO:0016575, HP:0012265.

Allele frequency attached by ClinVar (database versions not stated): gnomAD exomes 0.00001; TOPMed 0.00002; gnomAD 0.00003.
gnomAD v4.1: 22 of 1,613,950 alleles (0.0014%); highest among the groups gnomAD compares: African/African-American, 0.004%; no homozygotes.

Submission:

Labcorp Genetics (formerly Invitae), Labcorp
Classification: Uncertain significance for Primary ciliary dyskinesia. Last evaluated: 2024-09-18. Review status: criteria provided, single submitter. Criteria: Invitae Variant Classification Sherloc (09022015). Collection method: clinical testing. Allele origin: germline.
Comment: This sequence change replaces proline, which is neutral and non-polar, with leucine, which is neutral and non-polar, at codon 420 of the DNAI2 protein (p.Pro420Leu). This variant is present in population databases (no rsID available, gnomAD 0.01%). This variant has not been reported in the literature in individuals affected with DNAI2-related conditions. ClinVar contains an entry for this variant (Variation ID: 2188783). Invitae Evidence Modeling of protein sequence and biophysical properties (such as structural, functional, and spatial information, amino acid conservation, physicochemical variation, residue mobility, and thermodynamic stability) indicates that this missense variant is not expected to disrupt DNAI2 protein function with a negative predictive value of 80%. Algorithms developed to predict the effect of sequence changes on RNA splicing suggest that this variant may create or strengthen a splice site. In summary, the available evidence is currently insufficient to determine the role of this variant in disease. Therefore, it has been classified as a Variant of Uncertain Significance.